The following is an entry in ClinVar:

ClinVar aggregate classification (germline): Uncertain significance (1 of 4 stars; one submission).

Submission:

GeneDx
Classification: Uncertain significance. Last evaluated: 2025-10-28. Review status: criteria provided, single submitter. Criteria: GeneDx Variant Classification Process June 2021. Collection method: clinical testing. Allele origin: germline.
Comment: Not observed at significant frequency in large population cohorts (gnomAD); In silico analysis supports that this missense variant has a deleterious effect on protein structure/function; Has not been previously published as pathogenic or benign to our knowledge

NM_002739.5(PRKCG):c.1900C>G (p.Arg634Gly)

Gene: PRKCG (protein kinase C gamma; plus strand). Cytogenetic location: 19q13.42.
Variant type: single nucleotide variant.
Coding change: c.1900C>G on transcript NM_002739.5 (MANE Select); coding-DNA position 1900, C replaced by G.
Protein change: p.Arg634Gly; replaces arginine 634 with glycine.
Molecular consequence: missense variant.
Genome position (GRCh38, 1-based): chr19:53,906,452, C>G. VCF-style: chr19-53906452-C-G. GRCh37 (hg19) VCF-style: chr19-54409706-C-G.
Other names: c.1900C>G, p.Arg634Gly (NM_001316329.2); short protein forms R634G.
Identifiers: ClinVar variation 3343157 (VCV003343157.2).
Genomic context (GRCh38, chr19:53,906,452, plus strand): 5'-TTCCGCTGGATTGACTGGGAGCGGCTGGAACGATTGGAGATCCCGCCTCCTTTCAGACCC[C>G]GCCCGGTCAGTCACCCTCCAGGCAACAAAAACCTGGTCCCTGAAGGGGTGGGGTTCCCCT-3'
Protein context (NP_002730.1, residues 624-644): RLEIPPPFRP[Arg634Gly]PCGRSGENFD